The following is an entry in ClinVar:

ClinVar aggregate classification (germline): Pathogenic (1 of 4 stars; one submission).

Submission:

Labcorp Genetics (formerly Invitae), Labcorp
Classification: Pathogenic. Last evaluated: 2023-05-22. Review status: criteria provided, single submitter. Criteria: Invitae Variant Classification Sherloc (09022015). Collection method: clinical testing. Allele origin: germline.
Comment: This variant is a gross deletion of the genomic region encompassing exon(s) 2 of the KCNV2 gene, which includes the termination codon. This deletion extends beyond the assayed region for this gene and therefore may encompass additional genes. While this deletion is not anticipated to lead to nonsense mediated decay, it is expected to alter mRNA translation or result in a truncated protein product. A similar copy number variant has been observed in individual(s) with clinical features of retinal cone dystrophy (PMID: 19952985). This variant disrupts a region of the KCNV2 protein in which other variant(s) (p.Gly461Arg) have been determined to be pathogenic (PMID: 17896311, 18400204). This suggests that this is a clinically significant region of the protein, and that variants that disrupt it are likely to be disease-causing. For these reasons, this variant has been classified as Pathogenic.

Literature cited by the submitters: PubMed 19952985; PubMed 17896311; PubMed 18400204.

NC_000009.11:g.(?_2729426)_(2729727_?)del

Gene: KCNV2 (potassium voltage-gated channel modifier subfamily V member 2; plus strand). Cytogenetic location: 9p24.2.
Variant type: Deletion.
Identifiers: ClinVar variation 1066823 (VCV001066823.6).